The following is an entry in ClinVar:

ClinVar aggregate classification (germline): Uncertain significance (1 of 4 stars; one submission).

Allele frequency attached by ClinVar (database versions not stated): TOPMed 0.00001.
gnomAD v4.1: 16 of 1,610,780 alleles (0.00099%); highest among the groups gnomAD compares: Non-Finnish European, 0.0014%; no homozygotes.

Submission:

Labcorp Genetics (formerly Invitae), Labcorp
Classification: Uncertain significance. Last evaluated: 2023-10-03. Review status: criteria provided, single submitter. Criteria: Invitae Variant Classification Sherloc (09022015). Collection method: clinical testing. Allele origin: germline.
Comment: This sequence change replaces lysine, which is basic and polar, with asparagine, which is neutral and polar, at codon 3610 of the HMCN1 protein (p.Lys3610Asn). This variant is not present in population databases (gnomAD no frequency). This variant has not been reported in the literature in individuals affected with HMCN1-related conditions. An algorithm developed to predict the effect of missense changes on protein structure and function (PolyPhen-2) suggests that this variant is likely to be disruptive. In summary, the available evidence is currently insufficient to determine the role of this variant in disease. Therefore, it has been classified as a Variant of Uncertain Significance.

NM_031935.3(HMCN1):c.10830G>C (p.Lys3610Asn)

Gene: HMCN1 (hemicentin 1; plus strand). Cytogenetic location: 1q31.1.
Variant type: single nucleotide variant.
Coding change: c.10830G>C on transcript NM_031935.3 (MANE Select); coding-DNA position 10830, G replaced by C.
Protein change: p.Lys3610Asn; replaces lysine 3610 with asparagine.
Molecular consequence: missense variant.
Genome position (GRCh38, 1-based): chr1:186,106,943, G>C. VCF-style: chr1-186106943-G-C. GRCh37 (hg19) VCF-style: chr1-186076075-G-C.
Other names: short protein forms K3610N.
Identifiers: ClinVar variation 3012171 (VCV003012171.3), dbSNP rs972310137, ClinGen allele CA33497424.